The following is an entry in ClinVar:

NM_144599.5(NIPA1):c.316G>A (p.Gly106Arg)

Gene: NIPA1 (NIPA magnesium transporter 1; plus strand). Cytogenetic location: 15q11.2.
Variant type: single nucleotide variant.
Coding change: c.316G>A on transcript NM_144599.5 (MANE Select); coding-DNA position 316, G replaced by A.
Protein change: p.Gly106Arg; replaces glycine 106 with arginine.
Molecular consequence: missense variant.
Genome position (GRCh38, 1-based): chr15:22,812,252, G>A. VCF-style: chr15-22812252-G-A. GRCh37 (hg19) VCF-style: chr15-23060816-C-T.
Other names: NIPA1, 316G-A, GLY106ARG; c.91G>A, p.Gly31Arg (NM_001142275.1); c.[316G>A] (NM_144599.4); short protein forms G106R, G31R.
Identifiers: ClinVar variation 2523 (VCV000002523.73), dbSNP rs104894490, ClinGen allele CA115595.

ClinVar aggregate classification (germline): Pathogenic. Review status: criteria provided, multiple submitters, no conflicts (2 of 4 stars). 18 submissions from 18 submitters: Pathogenic (15). 3 of the submissions do not count toward it. Last evaluated 2025-05-01.

Conditions:
NIPA1-related disorder. Also called: NIPA1-related condition.
Hereditary spastic paraplegia. Also called: Familial spastic paraparesis. Identifiers: Orphanet 685, MedGen C0037773, MONDO:0019064. Disease mechanism: loss of function.
Hereditary spastic paraplegia 6 (SPG6). Also called: SPASTIC PARAPLEGIA 6, AUTOSOMAL DOMINANT. Identifiers: Orphanet 100988, MedGen C1838192, MONDO:0010878, OMIM 600363.
Spastic paraplegia. Identifiers: MedGen C0037772, HP:0001258.

Submissions (18):

PreventionGenetics, part of Exact Sciences
Classification: Pathogenic for NIPA1-related condition. Last evaluated: 2025-05-01. Review status: criteria provided, single submitter. Criteria: ACMG Guidelines, 2015. Collection method: clinical testing. Allele origin: germline.
Comment: The NIPA1 c.316G>A variant is predicted to result in the amino acid substitution p.Gly106Arg. This variant has been reported in multiple unrelated patients with autosomal dominant hereditary spastic paraplegia (see for example, Chen et al. 2005. PubMed ID: 15643603). In at least one patient, this variant was found to be de novo (Kim et al. 2019. PubMed ID: 31104286). Functional studies have suggested that this variant leads to abnormal trafficking of the protein in the cell (Goytain et al. 2007. PubMed ID: 17166836; Botzolakis et al. 2011. PubMed ID: 20816793). This variant has not been reported in a large population database gnomAD, indicating it is rare. This variant is interpreted as pathogenic.

Athena Diagnostics
Classification: Pathogenic. Last evaluated: 2025-03-05. Review status: criteria provided, single submitter. Criteria: Athena Diagnostics Criteria. Collection method: clinical testing. Allele origin: unknown.
Comment: This variant has not been reported in large, multi-ethnic general populations. This variant has been confirmed to occur de novo in multiple individuals with clinical features associated with this gene. This variant results in the same amino acid change as another variant considered to be pathogenic (c.316G>C). Assessment of experimental evidence suggests this variant results in abnormal protein function. (PMID 17166836, 19091982, 20816793)

Labcorp Genetics (formerly Invitae), Labcorp
Classification: Pathogenic for Hereditary spastic paraplegia 6. Last evaluated: 2024-12-09. Review status: criteria provided, single submitter. Criteria: Invitae Variant Classification Sherloc (09022015). Collection method: clinical testing. Allele origin: germline.
Comment: This sequence change replaces glycine, which is neutral and non-polar, with arginine, which is basic and polar, at codon 106 of the NIPA1 protein (p.Gly106Arg). This variant is not present in population databases (gnomAD no frequency). This missense change has been observed in individual(s) with hereditary spastic paraplegia (HSP) (PMID: 15643603, 15711826, 16267846, 21599812, 22302102, 24075313). In at least one individual the variant was observed to be de novo. It has also been observed to segregate with disease in related individuals. This variant is also known as G341A. ClinVar contains an entry for this variant (Variation ID: 2523). An algorithm developed to predict the effect of missense changes on protein structure and function (PolyPhen-2) suggests that this variant is likely to be disruptive. Experimental studies have shown that this missense change affects NIPA1 function (PMID: 17166836, 19091982, 19620182, 20816793, 24128679). For these reasons, this variant has been classified as Pathogenic.

3billion
Classification: Pathogenic for Hereditary spastic paraplegia 6. Last evaluated: 2024-08-30. Review status: criteria provided, single submitter. Criteria: ACMG Guidelines, 2015. Collection method: clinical testing. Allele origin: germline. Affected: yes.
Comment: The variant is not observed in the gnomAD v4.0.0 dataset. Predicted Consequence/Location: Missense changes are a common disease-causing mechanism. The same nucleotide change resulting in the same amino acid change has been previously reported as pathogenic/likely pathogenic with strong evidence (ClinVar ID: VCV000002523 /PMID: 15643603 /3billion dataset). The variant has been observed in multiple (>3) similarly affected unrelated individuals (PMID: 15711826, 16267846, 21599812, 22302102, 24075313). The variant has been previously reported as assumed (i.e. paternity and maternity not confirmed) de novo in at least one similarly affected unrelated individual (PMID: 24075313). Therefore, this variant is classified as Pathogenic according to the recommendation of ACMG/AMP guideline.

Mayo Clinic Laboratories, Mayo Clinic
Classification: Pathogenic. Last evaluated: 2021-12-28. Review status: criteria provided, single submitter. Criteria: ACMG Guidelines, 2015. Collection method: clinical testing. Allele origin: germline.
Comment: PP1, PM2, PM6, PS1, PS3, PS4_moderate

Blueprint Genetics
Classification: Pathogenic for NIPA1-related disorders. Last evaluated: 2020-12-29. Review status: criteria provided, single submitter. Criteria: ACMG Guidelines, 2015. Collection method: clinical testing. Allele origin: germline. Affected: yes. Observed: 5 variant alleles.

Institute of Medical Genetics and Applied Genomics, University Hospital Tübingen
Classification: Pathogenic. Last evaluated: 2020-10-23. Review status: criteria provided, single submitter. Criteria: ACMG Guidelines, 2015. Collection method: clinical testing. Allele origin: germline. Inheritance: Autosomal dominant inheritance. Affected: yes.

Centre for Mendelian Genomics, University Medical Centre Ljubljana
Classification: Pathogenic for Hereditary spastic paraplegia 6. Last evaluated: 2019-09-03. Review status: criteria provided, single submitter. Criteria: ACMG Guidelines, 2015. Collection method: clinical testing. Allele origin: unknown. Affected: yes.
Comment: This variant was classified as: Pathogenic. The following ACMG criteria were applied in classifying this variant: PS1,PS2,PS3,PM2,PM5,PP3,PP5.

CeGaT Center for Human Genetics Tuebingen
Classification: Pathogenic. Last evaluated: 2017-05-01. Review status: criteria provided, single submitter. Criteria: CeGaT Center For Human Genetics Tuebingen Variant Classification Criteria Version 2. Collection method: clinical testing. Allele origin: germline. Affected: yes. Observed: 1 variant allele.

Unit for Genetic & Epidemiological Research on Neurological Disorders, Instituto de Investigação e Inovação em Saúde
Classification: Pathogenic for Hereditary spastic paraplegia. Last evaluated: 2017-03-07. Review status: criteria provided, single submitter. Criteria: Morais et al. (Eur J Hum Genet. 2017). Collection method: research. Allele origin: inherited. Affected: yes.

Eurofins Ntd Llc (ga)
Classification: Pathogenic. Last evaluated: 2017-01-12. Review status: criteria provided, single submitter. Criteria: EGL Classification Definitions 2015. Collection method: clinical testing. Allele origin: germline. Observed: 1 variant allele, 1 heterozygote.

Genome Diagnostics Laboratory, The Hospital for Sick Children
Classification: Pathogenic for Hereditary spastic paraplegia. Last evaluated: 2017-01-03. Review status: criteria provided, single submitter. Criteria: ACMG Guidelines, 2015. Collection method: clinical testing. Allele origin: germline. Affected: yes.

Genetic Foundation of Khorasan Razavi (GFKR)
Classification: Pathogenic for Hereditary spastic paraplegia 6. Review status: criteria provided, single submitter. Criteria: ACMG Guidelines, 2015. Collection method: clinical testing. Allele origin: inherited. Affected: yes.
Comment: This variant meets multiple lines of evidence supporting a pathogenic classification. The same amino acid change has been previously established as pathogenic. Functional studies have demonstrated a damaging impact on protein function. The variant is absent from or extremely rare in population databases. Computational predictions and conservation analyses further support a deleterious effect on the gene or gene product. This variant has also been submitted to ClinVar as pathogenic(VCV000002523.63)

Neuberg Centre For Genomic Medicine, NCGM
Classification: Pathogenic for Hereditary spastic paraplegia 6. Review status: criteria provided, single submitter. Criteria: ACMG Guidelines, 2015. Collection method: clinical testing. Allele origin: germline. Affected: yes.
Comment: The missense variant p.G106R in NIPA1 (NM_144599.5) has been reported previously in affected patients (Hedera P et al; Morais S et al). The variant has been previously reported as de novo mutation. The variant has been submitted to ClinVar as Pathogenic. The p.G106R variant is novel (not in any individuals) in gnomAD Exomes and is novel (not in any individuals) in 1000 Genomes. The p.G106R missense variant is predicted to be damaging by both SIFT and PolyPhen2. The glycine residue at codon 106 of NIPA1 is conserved in all mammalian species. The nucleotide c.316 in NIPA1 is predicted conserved by GERP++ and PhyloP across 100 vertebrates. For these reasons, this variant has been classified as Pathogenic.

Paris Brain Institute, Inserm - ICM
Classification: Pathogenic for Hereditary spastic paraplegia 6. Review status: criteria provided, single submitter. Criteria: ACMG Guidelines, 2015. Collection method: clinical testing. Allele origin: unknown. Affected: yes. Observed: 4 variant alleles.

Solve-RD Consortium
Classification: Likely pathogenic for Hereditary spastic paraplegia 6. Last evaluated: 2022-06-01. Review status: no assertion criteria provided. Collection method: provider interpretation. Allele origin: inherited. Affected: yes. Not counted in ClinVar's aggregate classification.
Comment: Variant confirmed as disease-causing by referring clinical team

Variant identified during reanalysis of unsolved cases by the Solve-RD project. The Solve-RD project has received funding from the European Union’s Horizon 2020 research and innovation programme under grant agreement No 779257.

OMIM
Classification: Pathogenic for SPASTIC PARAPLEGIA 6, AUTOSOMAL DOMINANT. Last evaluated: 2005-02-01. Review status: no assertion criteria provided. Collection method: literature only. Allele origin: germline. Not counted in ClinVar's aggregate classification.

NIHR Bioresource Rare Diseases, University of Cambridge
Classification: Pathogenic for Spastic paraplegia. Review status: no assertion criteria provided. Collection method: research. Allele origin: unknown. Affected: yes. Observed: 1 variant allele. Not counted in ClinVar's aggregate classification.

Literature cited by the submitters: PubMed 20816793 (cited by Athena Diagnostics and Labcorp Genetics (formerly Invitae), Labcorp); PubMed 31104286 (cited by Athena Diagnostics and Mayo Clinic Laboratories, Mayo Clinic); PubMed 22302102 (cited by 3 submitters); PubMed 21599812 (cited by 3 submitters); PubMed 31630374 (cited by Athena Diagnostics and Mayo Clinic Laboratories, Mayo Clinic); PubMed 17092466 (cited by Athena Diagnostics); PubMed 32500351 (cited by Athena Diagnostics); PubMed 18191948 (cited by Athena Diagnostics); PubMed 29934652 (cited by Athena Diagnostics); PubMed 15643603 (cited by 4 submitters); PubMed 15711826 (cited by 3 submitters); PubMed 16267846 (cited by 3 submitters); PubMed 17166836 (cited by Athena Diagnostics and Labcorp Genetics (formerly Invitae), Labcorp); PubMed 19091982 (cited by Athena Diagnostics and Labcorp Genetics (formerly Invitae), Labcorp); PubMed 24075313 (cited by 3 submitters); PubMed 28832565 (cited by Athena Diagnostics); PubMed 19620182 (cited by Labcorp Genetics (formerly Invitae), Labcorp); PubMed 24128679 (cited by Labcorp Genetics (formerly Invitae), Labcorp); DOI 10.1016/j.jocn.2021.10.026 (cited by Genetic Foundation of Khorasan Razavi (GFKR)); DOI 10.1016/j.jns.2013.09.015 (cited by Genetic Foundation of Khorasan Razavi (GFKR)); PubMed 39825153 (cited by Solve-RD Consortium); PubMed 32581362 (cited by NIHR Bioresource Rare Diseases, University of Cambridge).